The following is an entry in ClinVar:

ClinVar aggregate classification (germline): Uncertain significance (1 of 4 stars; one submission).

Conditions:
Charcot-Marie-Tooth disease type 4. Also called: Charcot-Marie-Tooth disease, type IV; Charcot-Marie-Tooth, Type 4. Identifiers: Orphanet 64749, MedGen C4082197, MONDO:0018995.

gnomAD v4.1: 1 of 1,545,724 alleles (0.000065%); no homozygotes.

Submission:

Labcorp Genetics (formerly Invitae), Labcorp
Classification: Uncertain significance for Charcot-Marie-Tooth disease type 4. Last evaluated: 2021-11-06. Review status: criteria provided, single submitter. Criteria: Invitae Variant Classification Sherloc (09022015). Collection method: clinical testing. Allele origin: germline.
Comment: This sequence change replaces alanine, which is neutral and non-polar, with serine, which is neutral and polar, at codon 277 of the PRX protein (p.Ala277Ser). This variant is not present in population databases (gnomAD no frequency). This variant has not been reported in the literature in individuals affected with PRX-related conditions. Algorithms developed to predict the effect of missense changes on protein structure and function are either unavailable or do not agree on the potential impact of this missense change (SIFT: "Deleterious"; PolyPhen-2: "Possibly Damaging"; Align-GVGD: "Class C15"). In summary, the available evidence is currently insufficient to determine the role of this variant in disease. Therefore, it has been classified as a Variant of Uncertain Significance.

NM_181882.3(PRX):c.829G>T (p.Ala277Ser)

Gene: PRX (periaxin; minus strand). Cytogenetic location: 19q13.2.
Variant type: single nucleotide variant.
Coding change: c.829G>T on transcript NM_181882.3 (MANE Select); coding-DNA position 829, G replaced by T.
Protein change: p.Ala277Ser; replaces alanine 277 with serine.
Molecular consequence: missense variant. On other transcripts: 3 prime UTR variant (1).
Genome position (GRCh38, 1-based): chr19:40,397,523, C>A on the plus strand (G>T on the coding strand, the complement: PRX is on the minus strand). VCF-style: chr19-40397523-C-A. GRCh37 (hg19) VCF-style: chr19-40903430-C-A.
Other names: c.*1034G>T (NM_020956.2); short protein forms A277S.
Identifiers: ClinVar variation 1487253 (VCV001487253.6), dbSNP rs1458620221, ClinGen allele CA405899604.
Genomic context (GRCh38, chr19:40,397,523, plus strand): 5'-GCTCCACCTGGGGGACCTGGATTCCCACGGCTGGGGCCTCCACAGCAGGCGGAGCCGGGG[C>A]TCCGAGCCCAAGGGTTGGCAGGTGGAGGGCAAAGCCACCAGCTGCCTCTGCTGAGGGGGC-3'
Protein context (NP_870998.2, residues 267-287): ALHLPTLGLG[Ala277Ser]PAPPAVEAPA